The following is an entry in ClinVar:

ClinVar aggregate classification (germline): Uncertain significance (1 of 4 stars; one submission).

Submission:

CeGaT Center for Human Genetics Tuebingen
Classification: Uncertain significance. Last evaluated: 2023-03-01. Review status: criteria provided, single submitter. Criteria: CeGaT Center For Human Genetics Tuebingen Variant Classification Criteria Version 2. Collection method: clinical testing. Allele origin: germline. Affected: yes. Observed: 1 variant allele.
Comment: EBF3: PM2, BP4

NM_001375380.1(EBF3):c.912+6C>T

Genes: EBF3 (EBF transcription factor 3; minus strand), EBF3-AS1 (EBF3 antisense RNA 1; plus strand). Cytogenetic location: 10q26.3.
Variant type: single nucleotide variant.
Coding change: c.912+6C>T on transcript NM_001375380.1 (MANE Select); 6 bases into the intron after coding-DNA position 912, C replaced by T.
Molecular consequence: intron variant.
Genome position (GRCh38, 1-based): chr10:129,867,776, G>A on the plus strand (C>T on the coding strand, the complement: EBF3 is on the minus strand). VCF-style: chr10-129867776-G-A. GRCh37 (hg19) VCF-style: chr10-131666040-G-A.
Other names: c.885+6C>T (NM_001375392.1, NM_001005463.3, NM_001375390.1); c.912+6C>T (NM_001375391.1, NM_001375389.1, NM_001375379.1).
Identifiers: ClinVar variation 2640974 (VCV002640974.24), dbSNP rs2493990088, ClinGen allele CA2695201055.